The following is an entry in ClinVar:

ClinVar aggregate classification (germline): Benign/Likely benign. Review status: criteria provided, multiple submitters, no conflicts (2 of 4 stars). 3 submissions from 3 submitters: Benign (1); Likely benign (1). 1 of the submissions does not count toward it. Last evaluated 2026-01-08.

Conditions:
FEZF1-related disorder. Also called: FEZF1-related condition.

Allele frequency attached by ClinVar (database versions not stated): gnomAD exomes 0.00063 and 0.00228; gnomAD 0.00073 and 0.00102; TOPMed 0.00151; 1000 Genomes Project 0.00339; ExAC 0.00191; 1000 Genomes Project 30x 0.00297.
gnomAD v4.1: 1,113 of 1,614,054 alleles (0.069%); highest among the groups gnomAD compares: East Asian, 2%; 14 homozygotes.

Submissions (3):

Labcorp Genetics (formerly Invitae), Labcorp
Classification: Benign. Last evaluated: 2026-01-08. Review status: criteria provided, single submitter. Criteria: Invitae Variant Classification Sherloc (09022015). Collection method: clinical testing. Allele origin: germline.

GeneDx
Classification: Likely benign. Last evaluated: 2021-03-08. Review status: criteria provided, single submitter. Criteria: GeneDx Variant Classification Process June 2021. Collection method: clinical testing. Allele origin: germline. Affected: yes.
Comment: See Variant Classification Assertion Criteria.

PreventionGenetics, part of Exact Sciences
Classification: Benign for FEZF1-related condition. Last evaluated: 2024-03-26. Review status: no assertion criteria provided. Collection method: clinical testing. Allele origin: germline. Not counted in ClinVar's aggregate classification.
Comment: This variant is classified as benign based on ACMG/AMP sequence variant interpretation guidelines (Richards et al. 2015 PMID: 25741868, with internal and published modifications).

NM_001024613.4(FEZF1):c.1002T>C (p.His334=)

Gene: FEZF1 (FEZ family zinc finger 1; minus strand). Cytogenetic location: 7q31.32.
Variant type: single nucleotide variant.
Coding change: c.1002T>C on transcript NM_001024613.4 (MANE Select); coding-DNA position 1002, T replaced by C.
Protein change: p.His334=; no amino-acid change (histidine 334 retained).
Molecular consequence: synonymous variant.
Genome position (GRCh38, 1-based): chr7:122,302,866, A>G on the plus strand (T>C on the coding strand, the complement: FEZF1 is on the minus strand). VCF-style: chr7-122302866-A-G. GRCh37 (hg19) VCF-style: chr7-121942920-A-G.
Other names: c.852T>C, p.His284= (NM_001160264.3).
Identifiers: ClinVar variation 782850 (VCV000782850.11), dbSNP rs78309987, ClinGen allele CA4458875.